The following is an entry in ClinVar:

ClinVar aggregate classification (germline): Conflicting classifications of pathogenicity. Review status: criteria provided, conflicting classifications (1 of 4 stars). 2 submissions from 2 submitters: Uncertain significance (1); Likely benign (1). Last evaluated 2026-02-17.

Conditions:
Inborn genetic diseases. Identifiers: MedGen C0950123, MeSH D030342.

Submissions (2):

Ambry Genetics
Classification: Likely benign for Inborn genetic diseases. Last evaluated: 2026-02-17. Review status: criteria provided, single submitter. Criteria: Ambry Variant Classification Scheme 2023. Collection method: clinical testing. Allele origin: germline.

Labcorp Genetics (formerly Invitae), Labcorp
Classification: Uncertain significance. Last evaluated: 2025-12-16. Review status: criteria provided, single submitter. Criteria: Invitae Variant Classification Sherloc (09022015). Collection method: clinical testing. Allele origin: germline.
Comment: This sequence change replaces arginine, which is basic and polar, with cysteine, which is neutral and slightly polar, at codon 813 of the ADNP protein (p.Arg813Cys). This variant is present in population databases (no rsID available, gnomAD 0.004%). This variant has not been reported in the literature in individuals affected with ADNP-related conditions. An algorithm developed to predict the effect of missense changes on protein structure and function (PolyPhen-2) suggests that this variant is likely to be disruptive. In summary, the available evidence is currently insufficient to determine the role of this variant in disease. Therefore, it has been classified as a Variant of Uncertain Significance.

NM_001282531.3(ADNP):c.2437C>T (p.Arg813Cys)

Gene: ADNP (activity dependent neuroprotector homeobox; minus strand). Cytogenetic location: 20q13.13.
Variant type: single nucleotide variant.
Coding change: c.2437C>T on transcript NM_001282531.3 (MANE Select); coding-DNA position 2437, C replaced by T.
Protein change: p.Arg813Cys; replaces arginine 813 with cysteine.
Molecular consequence: missense variant.
Genome position (GRCh38, 1-based): chr20:50,892,277, G>A on the plus strand (C>T on the coding strand, the complement: ADNP is on the minus strand). VCF-style: chr20-50892277-G-A. GRCh37 (hg19) VCF-style: chr20-49508814-G-A.
Other names: c.2437C>T, p.Arg813Cys (NM_001282532.2, NM_001347511.2, NM_015339.5 and 1 more transcripts); c.2653C>T, p.Arg885Cys (NM_001439000.1); c.1753C>T, p.Arg585Cys (NM_001439001.1); c.2437C>T (NM_015339.2); short protein forms R585C, R813C, R885C.
Identifiers: ClinVar variation 4768178 (VCV004768178.2).